The following is an entry in ClinVar:

NM_001009944.3(PKD1):c.4091G>A (p.Arg1364His)

Gene: PKD1 (polycystin 1, transient receptor potential channel interacting; minus strand). Cytogenetic location: 16p13.3.
Variant type: single nucleotide variant.
Coding change: c.4091G>A on transcript NM_001009944.3 (MANE Select); coding-DNA position 4091, G replaced by A.
Protein change: p.Arg1364His; replaces arginine 1364 with histidine.
Molecular consequence: missense variant.
Genome position (GRCh38, 1-based): chr16:2,111,076, C>T on the plus strand (G>A on the coding strand, the complement: PKD1 is on the minus strand). VCF-style: chr16-2111076-C-T. GRCh37 (hg19) VCF-style: chr16-2161077-C-T.
Other names: c.4091G>A, p.Arg1364His (NM_000296.4); short protein forms R1364H.
Identifiers: ClinVar variation 1802098 (VCV001802098.2), dbSNP rs529410704, ClinGen allele CA7832494.
Genomic context (GRCh38, chr16:2,111,076, plus strand): 5'-GTGACGTTGCCCACCTCTGGCTCCACGCAGATGCTGGTGAAGTAATGCGCCCTGTTCACG[C>T]GGCTGGACAGCACCAGCGCCAGGGGGAACGTGCCGCTCCGCGTGAAGTTGTGTGTCACCG-3'
Protein context (NP_001009944.3, residues 1354-1374): TFPLALVLSS[Arg1364His]VNRAHYFTSI

ClinVar aggregate classification (germline): Uncertain significance. Review status: criteria provided, single submitter (1 of 4 stars). 2 submissions from 2 submitters: Uncertain significance (1). 1 of the submissions does not count toward it. Last evaluated 2022-05-31.

Conditions:
PKD1-related disorder. Also called: PKD1-related condition.

Allele frequency attached by ClinVar (database versions not stated): gnomAD exomes 0.00001; TOPMed 0.00002; gnomAD 0.00003; ExAC 0.00007; 1000 Genomes Project 0.00020; 1000 Genomes Project 30x 0.00031.
gnomAD v4.1: 26 of 1,610,646 alleles (0.0016%); highest among the groups gnomAD compares: East Asian, 0.011%; no homozygotes.

Submissions (2):

GeneDx
Classification: Uncertain significance. Last evaluated: 2022-05-31. Review status: criteria provided, single submitter. Criteria: GeneDx Variant Classification Process June 2021. Collection method: clinical testing. Allele origin: germline. Affected: yes.
Comment: In silico analysis supports that this missense variant does not alter protein structure/function; Has not been previously published as pathogenic or benign to our knowledge

PreventionGenetics, part of Exact Sciences
Classification: Uncertain significance for PKD1-related condition. Last evaluated: 2024-07-19. Review status: no assertion criteria provided. Collection method: clinical testing. Allele origin: germline. Not counted in ClinVar's aggregate classification.
Comment: The PKD1 c.4091G>A variant is predicted to result in the amino acid substitution p.Arg1364His. To our knowledge, this variant has not been reported in the literature. Of note, a different substitution at the same codon, defined as c.4090C>T (p.Arg1364Cys), was reported in an individual with autosomal dominant polycystic kidney disease (ADPKD), but the clinical significance was uncertain (Supplementary Table 2, Jin et al. 2016. PubMed ID: 27782177). This variant is reported in 0.033% of alleles in individuals of East Asian descent in gnomAD. Of note, at this position is a histidine (His) in other species including rat and mouse. Although we suspect that this variant may be benign, at this time, the clinical significance of this variant is uncertain due to the absence of conclusive functional and genetic evidence.